The following is an entry in ClinVar:

NM_176812.5(CHMP4B):c.460G>A (p.Gly154Arg)

Gene: CHMP4B (charged multivesicular body protein 4B; plus strand). Cytogenetic location: 20q11.22.
Variant type: single nucleotide variant.
Coding change: c.460G>A on transcript NM_176812.5 (MANE Select); coding-DNA position 460, G replaced by A.
Protein change: p.Gly154Arg; replaces glycine 154 with arginine.
Molecular consequence: missense variant.
Genome position (GRCh38, 1-based): chr20:33,851,043, G>A. VCF-style: chr20-33851043-G-A. GRCh37 (hg19) VCF-style: chr20-32438849-G-A.
Other names: short protein forms G154R.
Identifiers: ClinVar variation 1304620 (VCV001304620.4), dbSNP rs377633958, ClinGen allele CA9819952.

ClinVar aggregate classification (germline): Uncertain significance. Review status: criteria provided, multiple submitters, no conflicts (2 of 4 stars). 3 submissions from 3 submitters: Uncertain significance (3). Last evaluated 2026-01-29.

Conditions:
Cataract 31 multiple types (CTRCT31). Also called: CATARACT 31, POSTERIOR POLAR. Identifiers: Orphanet 91492, MedGen C1854311, MONDO:0011547, OMIM 605387.
CHMP4B-related disorder. Also called: CHMP4B-related condition.

Allele frequency attached by ClinVar (database versions not stated): gnomAD exomes below 0.00001 and 0.00001; TOPMed below 0.00001; ExAC 0.00001; gnomAD 0.00001; ESP Exome Variant Server 0.00008.
gnomAD v4.1: 6 of 1,611,126 alleles (0.00037%); highest among the groups gnomAD compares: Non-Finnish European, 0.00051%; no homozygotes.

Submissions (3):

PreventionGenetics, part of Exact Sciences
Classification: Uncertain significance for CHMP4B-related condition. Last evaluated: 2026-01-29. Review status: criteria provided, single submitter. Criteria: ACMG Guidelines, 2015. Collection method: clinical testing. Allele origin: germline.
Comment: The CHMP4B c.460G>A variant is predicted to result in the amino acid substitution p.Gly154Arg. To our knowledge, this variant has not been reported in the literature. This variant is reported in 0.0031% of alleles in individuals of European (Non-Finnish) descent in gnomAD. At this time, the clinical significance of this variant is uncertain due to the absence of conclusive functional and genetic evidence.

Labcorp Genetics (formerly Invitae), Labcorp
Classification: Uncertain significance for Cataract 31 multiple types. Last evaluated: 2025-10-11. Review status: criteria provided, single submitter. Criteria: Invitae Variant Classification Sherloc (09022015). Collection method: clinical testing. Allele origin: germline.
Comment: This sequence change replaces glycine, which is neutral and non-polar, with arginine, which is basic and polar, at codon 154 of the CHMP4B protein (p.Gly154Arg). This variant is present in population databases (rs377633958, gnomAD 0.003%). This variant has not been reported in the literature in individuals affected with CHMP4B-related conditions. ClinVar contains an entry for this variant (Variation ID: 1304620). An algorithm developed to predict the effect of missense changes on protein structure and function (PolyPhen-2) suggests that this variant is likely to be disruptive. In summary, the available evidence is currently insufficient to determine the role of this variant in disease. Therefore, it has been classified as a Variant of Uncertain Significance.

GeneDx
Classification: Uncertain significance. Last evaluated: 2021-05-20. Review status: criteria provided, single submitter. Criteria: GeneDx Variant Classification Process June 2021. Collection method: clinical testing. Allele origin: germline. Affected: yes.
Comment: Not observed at a significant frequency in large population cohorts (Lek et al., 2016); In silico analysis supports that this missense variant has a deleterious effect on protein structure/function; In silico analysis supports that this missense variant has a deleterious effect on protein structure/function; Has not been previously published as pathogenic or benign to our knowledge